The following is an entry in ClinVar:

NM_022455.5(NSD1):c.4307A>G (p.Tyr1436Cys)

Gene: NSD1 (nuclear receptor binding SET domain protein 1; plus strand). Cytogenetic location: 5q35.3.
Variant type: single nucleotide variant.
Coding change: c.4307A>G on transcript NM_022455.5 (MANE Select); coding-DNA position 4307, A replaced by G.
Protein change: p.Tyr1436Cys; replaces tyrosine 1436 with cysteine.
Molecular consequence: missense variant.
Genome position (GRCh38, 1-based): chr5:177,244,199, A>G. VCF-style: chr5-177244199-A-G. GRCh37 (hg19) VCF-style: chr5-176671200-A-G.
Other names: c.3434A>G, p.Tyr1145Cys (NM_001365684.2, NM_001409306.1, NM_001409307.1 and 3 more transcripts); c.4307A>G, p.Tyr1436Cys (NM_001409301.1, NM_001409302.1, NM_001409303.1); c.3887A>G, p.Tyr1296Cys (NM_001409304.1); c.3554A>G, p.Tyr1185Cys (NM_001409305.1); short protein forms Y1436C, Y1167C, Y1145C, Y1296C, Y1185C.
Identifiers: ClinVar variation 352888 (VCV000352888.21), dbSNP rs574641900, ClinGen allele CA3577615.

ClinVar aggregate classification (germline): Conflicting classifications of pathogenicity. Review status: criteria provided, conflicting classifications (1 of 4 stars). 6 submissions from 5 submitters: Uncertain significance (1); Likely benign (4). 1 of the submissions does not count toward it. Last evaluated 2024-07-05.

Conditions:
Sotos syndrome (SOTOS). Also called: CEREBRAL GIGANTISM; Distinctive facial appearance, overgrowth in childhood, and learning disabilities or delayed development; Sotos' syndrome; CHROMOSOME 5q35 DELETION SYNDROME; SOTOS SYNDROME 1. Identifiers: Orphanet 821, MedGen C0175695, MONDO:0019349, OMIM 117550.

Allele frequency attached by ClinVar (database versions not stated): ExAC 0.00002; 1000 Genomes Project 30x 0.00016; TOPMed 0.00003; gnomAD exomes 0.00002; gnomAD 0.00004; 1000 Genomes Project 0.00020.
gnomAD v4.1: 47 of 1,611,002 alleles (0.0029%); highest among the groups gnomAD compares: Admixed American, 0.0067%; no homozygotes.

Submissions (6):

Blueprint Genetics
Classification: Likely benign. Last evaluated: 2024-07-05. Review status: criteria provided, single submitter. Criteria: ACMG Guidelines, 2015. Collection method: clinical testing. Allele origin: germline.

Labcorp Genetics (formerly Invitae), Labcorp
Classification: Likely benign. Last evaluated: 2023-05-22. Review status: criteria provided, single submitter. Criteria: Invitae Variant Classification Sherloc (09022015). Collection method: clinical testing. Allele origin: germline.

Genome-Nilou Lab
Classification: Likely benign for Sotos syndrome. Last evaluated: 2021-07-15. Review status: criteria provided, single submitter. Criteria: ACMG Guidelines, 2015. Collection method: clinical testing. Allele origin: germline. Affected: no.

GeneDx
Classification: Likely benign. Last evaluated: 2021-06-19. Review status: criteria provided, single submitter. Criteria: GeneDx Variant Classification Process June 2021. Collection method: clinical testing. Allele origin: germline. Affected: yes.

New York Genome Center
Classification: Uncertain significance for Sotos syndrome. Last evaluated: 2019-07-18. Review status: criteria provided, single submitter. Criteria: NYGC Assertion Criteria 2020. Collection method: clinical testing. Allele origin: germline. Observed: 1 variant allele, 1 heterozygote. Study: CSER-NYCKidSeq.

Labcorp Genetics (formerly Invitae), Labcorp
Classification: Uncertain significance. Last evaluated: 2021-08-27. Review status: flagged submission. Criteria: Invitae Variant Classification Sherloc (09022015). Collection method: clinical testing. Allele origin: germline. Not counted in ClinVar's aggregate classification.
Comment: This sequence change replaces tyrosine with cysteine at codon 1436 of the NSD1 protein (p.Tyr1436Cys). The tyrosine residue is weakly conserved and there is a large physicochemical difference between tyrosine and cysteine. This variant is present in population databases (rs574641900, ExAC 0.01%). This variant has not been reported in the literature in individuals affected with NSD1-related conditions. ClinVar contains an entry for this variant (Variation ID: 352888). Algorithms developed to predict the effect of missense changes on protein structure and function (SIFT, PolyPhen-2, Align-GVGD) all suggest that this variant is likely to be tolerated. In summary, the available evidence is currently insufficient to determine the role of this variant in disease. Therefore, it has been classified as a Variant of Uncertain Significance.
ClinVar note: Reason: This record appears to be redundant with a more recent record from the same submitter.
ClinVar note: Notes: SCV002308387 appears to be redundant with SCV000749429.